The following is an entry in ClinVar:

NM_005633.4(SOS1):c.2310C>A (p.His770Gln)

Gene: SOS1 (SOS Ras/Rac guanine nucleotide exchange factor 1; minus strand). Cytogenetic location: 2p22.1.
Variant type: single nucleotide variant.
Coding change: c.2310C>A on transcript NM_005633.4 (MANE Select); coding-DNA position 2310, C replaced by A.
Protein change: p.His770Gln; replaces histidine 770 with glutamine.
Molecular consequence: missense variant.
Genome position (GRCh38, 1-based): chr2:39,012,206, G>T on the plus strand (C>A on the coding strand, the complement: SOS1 is on the minus strand). VCF-style: chr2-39012206-G-T. GRCh37 (hg19) VCF-style: chr2-39239347-G-T.
Other names: c.2289C>A, p.His763Gln (NM_001382394.1); c.2310C>A, p.His770Gln (NM_001382395.1); short protein forms H763Q, H770Q.
Identifiers: ClinVar variation 3366001 (VCV003366001.1).

ClinVar aggregate classification (germline): Uncertain significance (1 of 4 stars; one submission).

Submission:

GeneDx
Classification: Uncertain significance. Last evaluated: 2023-10-16. Review status: criteria provided, single submitter. Criteria: GeneDx Variant Classification Process June 2021. Collection method: clinical testing. Allele origin: germline. Affected: yes.
Comment: Not observed at significant frequency in large population cohorts (gnomAD); Missense variants in this gene are a common cause of disease and they are underrepresented in the general population; In silico analysis supports that this missense variant does not alter protein structure/function; Has not been previously published as pathogenic or benign to our knowledge; This variant is associated with the following publications: (PMID: 29493581)